The following is an entry in ClinVar:

ClinVar aggregate classification (germline): Pathogenic (1 of 4 stars; one submission).

Conditions:
Seizures, benign familial infantile, 3 (BFIS3). Also called: CONVULSIONS, BENIGN FAMILIAL INFANTILE, 3; Familial neonatal seizures. Identifiers: Orphanet 140927, Orphanet 306, MedGen C1843140, MONDO:0011904, OMIM 607745.
Developmental and epileptic encephalopathy, 11 (DEE11). Also called: Early infantile epileptic encephalopathy 11. Identifiers: Orphanet 1934, MedGen C3150987, MONDO:0013388, OMIM 613721.

Submission:

Labcorp Genetics (formerly Invitae), Labcorp
Classification: Pathogenic for Seizures, benign familial infantile, 3; Developmental and epileptic encephalopathy, 11. Last evaluated: 2025-08-04. Review status: criteria provided, single submitter. Criteria: Invitae Variant Classification Sherloc (09022015). Collection method: clinical testing. Allele origin: germline.
Comment: This sequence change creates a premature translational stop signal (p.Ala344Glnfs*11) in the SCN2A gene. It is expected to result in an absent or disrupted protein product. Loss-of-function variants in SCN2A are known to be pathogenic (PMID: 28379373). This variant is not present in population databases (gnomAD no frequency). This variant has not been reported in the literature in individuals affected with SCN2A-related conditions. ClinVar contains an entry for this variant (Variation ID: 2945836). For these reasons, this variant has been classified as Pathogenic.

Literature cited by the submitters: PubMed 28379373.

NM_001040142.2(SCN2A):c.1030del (p.Ala344fs)

Gene: SCN2A (sodium voltage-gated channel alpha subunit 2; plus strand). Cytogenetic location: 2q24.3.
Variant type: Deletion.
Coding change: c.1030del on transcript NM_001040142.2 (MANE Select); coding-DNA position 1030, one base deleted (G; older notation c.1030delG).
Protein change: p.Ala344fs; shifts the reading frame from alanine 344.
Molecular consequence: frameshift variant.
Genome position (GRCh38, 1-based): chr2:165,312,084, G deleted. VCF-style (leftmost placement, unchanged base first): chr2-165312083-TG-T. GRCh37 (hg19) VCF-style: chr2-166168593-TG-T.
Other names: c.1030del, p.Ala344fs (NM_001040143.2, NM_001371246.1, NM_001371247.1 and 1 more transcripts); short protein forms A344fs.
Identifiers: ClinVar variation 2945836 (VCV002945836.3), dbSNP rs2467895577, ClinGen allele CA2740095806.